The following is an entry in ClinVar:

ClinVar aggregate classification (germline): Uncertain significance. Review status: criteria provided, multiple submitters, no conflicts (2 of 4 stars). 5 submissions from 5 submitters: Uncertain significance (3). 2 of the submissions do not count toward it. Last evaluated 2025-02-16.

Conditions:
Stickler syndrome, type 5 (STL5). Also called: COL9A2-Related Stickler Syndrome. Identifiers: Orphanet 250984, Orphanet 828, MedGen C3280342, MONDO:0013666, OMIM 614284.
Epiphyseal dysplasia, multiple, 2 (EDM2). Also called: COL9A2-Related Multiple Epiphyseal Dysplasia. Identifiers: MedGen C1838429, MONDO:0010844, OMIM 600204.

gnomAD v4.1: 11 of 1,614,052 alleles (0.00068%); highest among the groups gnomAD compares: Middle Eastern, 0.033%; no homozygotes.

Submissions (5):

Labcorp Genetics (formerly Invitae), Labcorp
Classification: Uncertain significance. Last evaluated: 2025-02-16. Review status: criteria provided, single submitter. Criteria: Invitae Variant Classification Sherloc (09022015). Collection method: clinical testing. Allele origin: germline.
Comment: This sequence change replaces proline, which is neutral and non-polar, with arginine, which is basic and polar, at codon 661 of the COL9A2 protein (p.Pro661Arg). This variant is present in population databases (no rsID available, gnomAD no frequency). This variant has not been reported in the literature in individuals affected with COL9A2-related conditions. ClinVar contains an entry for this variant (Variation ID: 1209914). Invitae Evidence Modeling of protein sequence and biophysical properties (such as structural, functional, and spatial information, amino acid conservation, physicochemical variation, residue mobility, and thermodynamic stability) indicates that this missense variant is not expected to disrupt COL9A2 protein function with a negative predictive value of 95%. In summary, the available evidence is currently insufficient to determine the role of this variant in disease. Therefore, it has been classified as a Variant of Uncertain Significance.

Blueprint Genetics
Classification: Uncertain significance. Last evaluated: 2024-09-23. Review status: criteria provided, single submitter. Criteria: ACMG Guidelines, 2015. Collection method: clinical testing. Allele origin: germline.

Fulgent Genetics
Classification: Uncertain significance for Epiphyseal dysplasia, multiple, 2; Stickler syndrome, type 5. Last evaluated: 2022-04-01. Review status: criteria provided, single submitter. Criteria: ACMG Guidelines, 2015. Collection method: clinical testing. Allele origin: unknown.

Clinical Genetics DNA and cytogenetics Diagnostics Lab, Erasmus MC, Erasmus Medical Center
Classification: Uncertain significance. Review status: no assertion criteria provided. Collection method: clinical testing. Allele origin: germline. Affected: yes. Study: VKGL Data-share Consensus. Not counted in ClinVar's aggregate classification.

Genome Diagnostics Laboratory, Amsterdam University Medical Center
Classification: Uncertain significance. Review status: no assertion criteria provided. Collection method: clinical testing. Allele origin: germline. Affected: yes. Study: VKGL Data-share Consensus. Not counted in ClinVar's aggregate classification.

NM_001852.4(COL9A2):c.1982C>G (p.Pro661Arg)

Gene: COL9A2 (collagen type IX alpha 2 chain; minus strand). Cytogenetic location: 1p34.2.
Variant type: single nucleotide variant.
Coding change: c.1982C>G on transcript NM_001852.4 (MANE Select); coding-DNA position 1982, C replaced by G.
Protein change: p.Pro661Arg; replaces proline 661 with arginine.
Molecular consequence: missense variant.
Genome position (GRCh38, 1-based): chr1:40,301,270, G>C on the plus strand (C>G on the coding strand, the complement: COL9A2 is on the minus strand). VCF-style: chr1-40301270-G-C. GRCh37 (hg19) VCF-style: chr1-40766942-G-C.
Other names: short protein forms P661R.
Identifiers: ClinVar variation 1209914 (VCV001209914.10), dbSNP rs150687987, ClinGen allele CA21041053.
Genomic context (GRCh38, chr1:40,301,270, plus strand): 5'-GTAAGGCGGGCAGAGGCATAGGCCGAAGCTCCAAGGCAGGCGGCAGGTTCACAGAAGCCC[G>C]GCAGCCCCACGGGGCCTGGCAGGCCAGGTCGACCTGCCTCTCCTGGAGCCCCTGGGGACC-3'
Protein context (NP_001843.1, residues 651-671): RPGLPGPVGL[Pro661Arg]GFCEPAACLG